The following is an entry in ClinVar:

NM_001211.6(BUB1B):c.1844C>T (p.Ala615Val)

Gene: BUB1B (BUB1 mitotic checkpoint serine/threonine kinase B; plus strand). Cytogenetic location: 15q15.1.
Variant type: single nucleotide variant.
Coding change: c.1844C>T on transcript NM_001211.6 (MANE Select); coding-DNA position 1844, C replaced by T.
Protein change: p.Ala615Val; replaces alanine 615 with valine.
Molecular consequence: missense variant.
Genome position (GRCh38, 1-based): chr15:40,206,293, C>T. VCF-style: chr15-40206293-C-T. GRCh37 (hg19) VCF-style: chr15-40498494-C-T.
Other names: short protein forms A615V.
Identifiers: ClinVar variation 1781213 (VCV001781213.2), dbSNP rs2542564820, ClinGen allele CA391692519.

ClinVar aggregate classification (germline): Uncertain significance (1 of 4 stars; one submission).

Conditions:
Inborn genetic diseases. Identifiers: MedGen C0950123, MeSH D030342.

Submission:

Ambry Genetics
Classification: Uncertain significance for Inborn genetic diseases. Last evaluated: 2022-08-03. Review status: criteria provided, single submitter. Criteria: Ambry Variant Classification Scheme 2023. Collection method: clinical testing. Allele origin: germline.
Comment: The p.A615V variant (also known as c.1844C>T), located in coding exon 15 of the BUB1B gene, results from a C to T substitution at nucleotide position 1844. The alanine at codon 615 is replaced by valine, an amino acid with similar properties. This amino acid position is conserved. In addition, the in silico prediction for this alteration is inconclusive. Since supporting evidence is limited at this time, the clinical significance of this alteration remains unclear.